The following is an entry in ClinVar:

ClinVar aggregate classification (germline): Pathogenic (1 of 4 stars; one submission).

Conditions:
Early-onset progressive encephalopathy-hearing loss-pons hypoplasia-brain atrophy syndrome. Also called: ENCEPHALOPATHY, PROGRESSIVE, EARLY-ONSET, WITH BRAIN ATROPHY AND SPASTICITY. Identifiers: Orphanet 500144, MedGen C5567229, MONDO:0044696, OMIM 617669.

Submission:

Department of Clinical Genetics, Tokyo Metropolitan Children's Medical Center
Classification: Pathogenic for Early-onset progressive encephalopathy-hearing loss-pons hypoplasia-brain atrophy syndrome. Last evaluated: 2026-05-16. Review status: criteria provided, single submitter. Criteria: ACMG Guidelines, 2015. Collection method: research. Allele origin: maternal, paternal. Inheritance: Autosomal recessive inheritance. Affected: yes. Observed: 2 variant alleles, 2 compound heterozygotes. Clinical features observed: Microcephaly, Severe global developmental delay, Seizure, Hypoplasia of the pons, Thin corpus callosum, Diffuse cerebral atrophy.
Comment: This exon 2 TRAPPC12 variant is predicted to cause a frameshift and premature translation termination, p.(Gly128GlufsTer53), likely resulting in nonsense-mediated mRNA decay. Biallelic loss-of-function variants in TRAPPC12 have been reported to cause TRAPPC12-related disorder (PMID: 28777934). The variant is absent from gnomAD v4.1.0. To our knowledge, it has not previously been reported in affected individuals. No experimental functional evidence has been reported. Based on the available evidence, this variant was classified as Pathogenic.

Literature cited by the submitters: PubMed 28777934.

NM_016030.6(TRAPPC12):c.383del (p.Gly128fs)

Gene: TRAPPC12 (trafficking protein particle complex subunit 12; plus strand). Cytogenetic location: 2p25.3.
Variant type: Deletion.
Coding change: c.383del on transcript NM_016030.6 (MANE Select); coding-DNA position 383, one base deleted (G; older notation c.383delG).
Protein change: p.Gly128fs; shifts the reading frame from glycine 128.
Molecular consequence: frameshift variant.
Genome position (GRCh38, 1-based): chr2:3,388,006, G deleted; the last of 2 consecutive G bases (chr2:3,388,005-3,388,006); deleting either gives the same sequence. VCF-style (leftmost placement, unchanged base first): chr2-3388004-CG-C. GRCh37 (hg19) VCF-style: chr2-3391775-CG-C.
Other names: c.383del, p.Gly128fs (NM_001321102.2); short protein forms G128fs.
Identifiers: ClinVar variation 4850993 (VCV004850993.1).